The following is an entry in ClinVar:

ClinVar aggregate classification (germline): Uncertain significance. Review status: criteria provided, multiple submitters, no conflicts (2 of 4 stars). 3 submissions from 3 submitters: Uncertain significance (3). Last evaluated 2025-09-25.

Conditions:
Inborn genetic diseases. Identifiers: MedGen C0950123, MeSH D030342.

Allele frequency attached by ClinVar (database versions not stated): ExAC 0.00001; gnomAD 0.00001; gnomAD exomes 0.00001; TOPMed 0.00001.
gnomAD v4.1: 34 of 1,609,390 alleles (0.0021%); highest among the groups gnomAD compares: East Asian, 0.025%; no homozygotes.

Submissions (3):

Labcorp Genetics (formerly Invitae), Labcorp
Classification: Uncertain significance. Last evaluated: 2025-09-25. Review status: criteria provided, single submitter. Criteria: Invitae Variant Classification Sherloc (09022015). Collection method: clinical testing. Allele origin: germline.
Comment: This sequence change replaces glutamic acid, which is acidic and polar, with aspartic acid, which is acidic and polar, at codon 241 of the PYROXD1 protein (p.Glu241Asp). This variant is present in population databases (rs368350316, gnomAD 0.01%). This variant has not been reported in the literature in individuals affected with PYROXD1-related conditions. ClinVar contains an entry for this variant (Variation ID: 1384648). Invitae Evidence Modeling of protein sequence and biophysical properties (such as structural, functional, and spatial information, amino acid conservation, physicochemical variation, residue mobility, and thermodynamic stability) indicates that this missense variant is not expected to disrupt PYROXD1 protein function with a negative predictive value of 80%. In summary, the available evidence is currently insufficient to determine the role of this variant in disease. Therefore, it has been classified as a Variant of Uncertain Significance.

Ambry Genetics
Classification: Uncertain significance for Inborn genetic diseases. Last evaluated: 2023-07-14. Review status: criteria provided, single submitter. Criteria: Ambry Variant Classification Scheme 2023. Collection method: clinical testing. Allele origin: germline.

GeneDx
Classification: Uncertain significance. Last evaluated: 2022-04-14. Review status: criteria provided, single submitter. Criteria: GeneDx Variant Classification Process June 2021. Collection method: clinical testing. Allele origin: germline. Affected: yes.
Comment: Not observed at significant frequency in large population cohorts (gnomAD); In silico analysis supports that this missense variant does not alter protein structure/function; Has not been previously published as pathogenic or benign to our knowledge

NM_024854.5(PYROXD1):c.723A>C (p.Glu241Asp)

Gene: PYROXD1 (pyridine nucleotide-disulphide oxidoreductase domain 1; plus strand). Cytogenetic location: 12p12.1.
Variant type: single nucleotide variant.
Coding change: c.723A>C on transcript NM_024854.5 (MANE Select); coding-DNA position 723, A replaced by C.
Protein change: p.Glu241Asp; replaces glutamic acid 241 with aspartic acid.
Molecular consequence: missense variant. On other transcripts: 5 prime UTR variant (1).
Genome position (GRCh38, 1-based): chr12:21,456,068, A>C. VCF-style: chr12-21456068-A-C. GRCh37 (hg19) VCF-style: chr12-21609002-A-C.
Other names: c.510A>C, p.Glu170Asp (NM_001350912.2); c.-55A>C (NM_001350913.2); short protein forms E170D, E241D.
Identifiers: ClinVar variation 1384648 (VCV001384648.7), dbSNP rs368350316, ClinGen allele CA6478305.